The following is an entry in ClinVar:

NM_006393.3(NEBL):c.258+1G>A

Gene: NEBL (nebulette; minus strand). Cytogenetic location: 10p12.31.
Variant type: single nucleotide variant.
Coding change: c.258+1G>A on transcript NM_006393.3 (MANE Select); the canonical splice donor site of the intron after coding-DNA position 258, G replaced by A.
Molecular consequence: splice donor variant. On other transcripts: intron variant (9).
Genome position (GRCh38, 1-based): chr10:20,889,844, C>T on the plus strand (G>A on the coding strand, the complement: NEBL is on the minus strand). VCF-style: chr10-20889844-C-T. GRCh37 (hg19) VCF-style: chr10-21178773-C-T.
Other names: c.249+71828G>A (NM_001377326.1, NM_001377327.1, NM_001377328.1); c.357+71828G>A (NM_213569.2, NM_001173484.2, NM_001377322.1); c.300+71828G>A (NM_001377324.1); c.291+71828G>A (NM_001377325.1); c.309+71828G>A (NM_001377323.1).
Identifiers: ClinVar variation 229045 (VCV000229045.12), dbSNP rs139581346, ClinGen allele CA5433322.

ClinVar aggregate classification (germline): Conflicting classifications of pathogenicity. Review status: criteria provided, conflicting classifications (1 of 4 stars). 3 submissions from 3 submitters: Uncertain significance (2); Likely benign (1). Last evaluated 2025-07-23.

Conditions:
Primary dilated cardiomyopathy (DCM). Also called: Dilated Cardiomyopathy. Identifiers: Orphanet 217604, MedGen C0007193, MeSH D002311, MONDO:0005021, HP:0001644. Inheritance: Various modes of inheritance.

Allele frequency attached by ClinVar (database versions not stated): gnomAD exomes 0.00001 and 0.00004; ExAC 0.00006; TOPMed 0.00015; 1000 Genomes Project 30x 0.00016; gnomAD 0.00016 and 0.00017; 1000 Genomes Project 0.00020; ESP Exome Variant Server 0.00038.
gnomAD v4.1: 39 of 1,589,326 alleles (0.0025%); highest among the groups gnomAD compares: African/African-American, 0.052%; no homozygotes.

Submissions (3):

Labcorp Genetics (formerly Invitae), Labcorp
Classification: Uncertain significance for Primary dilated cardiomyopathy. Last evaluated: 2025-07-23. Review status: criteria provided, single submitter. Criteria: Invitae Variant Classification Sherloc (09022015). Collection method: clinical testing. Allele origin: germline.
Comment: This sequence change affects a donor splice site in intron 3 of the NEBL gene. It is expected to disrupt RNA splicing. Variants that disrupt the donor or acceptor splice site typically lead to a loss of protein function (PMID: 16199547), however the current clinical and genetic evidence is not sufficient to establish whether loss-of-function variants in NEBL cause disease. This variant is present in population databases (rs139581346, gnomAD 0.05%). This variant has not been reported in the literature in individuals affected with NEBL-related conditions. ClinVar contains an entry for this variant (Variation ID: 229045). Algorithms developed to predict the effect of sequence changes on RNA splicing suggest that this variant may disrupt the consensus splice site. In summary, the available evidence is currently insufficient to determine the role of this variant in disease. Therefore, it has been classified as a Variant of Uncertain Significance.

Women's Health and Genetics/Laboratory Corporation of America, LabCorp
Classification: Uncertain significance. Last evaluated: 2024-10-07. Review status: criteria provided, single submitter. Criteria: LabCorp Variant Classification Summary - May 2015. Collection method: clinical testing. Allele origin: germline.
Comment: Variant summary: NEBL c.258+1G>A is located in a canonical splice-site and is predicted to affect mRNA splicing resulting in a significantly altered protein due to either exon skipping, shortening, or inclusion of intronic material. Variants that disrupt the consensus splice site are a relatively common cause of aberrant splicing, however current evidence is not sufficient to establish loss of function as a mechanism for disease. Several computational tools predict a significant impact on normal splicing: four predict the variant abolishes a 5' splicing donor site, and one predicts the variant strengthens a cryptic 5' donor site. However, these predictions have yet to be confirmed by functional studies. The variant allele was found at a frequency of 2.5e-05 in 1582410 control chromosomes (i.e. in 39 carriers) in the gnomAD database (v4.1 dataset). The observed variant frequency is approximately 3-fold of the estimated maximal expected allele frequency for a pathogenic variant in NEBL causing Dilated Cardiomyopathy phenotype (7.8e-06). Although the allele frequency suggests that the variant is not causal for a severe, early onset, high penetrance, dominant disease phenotype, however the association with recessive conditions (or risk associations) cannot be excluded. To our knowledge, no occurrence of c.258+1G>A in individuals affected with Dilated Cardiomyopathy and no experimental evidence demonstrating its impact on protein function have been reported. ClinVar contains an entry for this variant (Variation ID: 229045). Based on the evidence outlined above, the variant was classified as uncertain significance.

Laboratory for Molecular Medicine, Mass General Brigham Personalized Medicine
Classification: Likely benign. Last evaluated: 2019-12-11. Review status: criteria provided, single submitter. Criteria: LMM Criteria. Collection method: clinical testing. Allele origin: germline. Observed: 1 variant allele.
Comment: proposed classification - variant undergoing re-assessment, contact laboratory

Literature cited by the submitters: PubMed 16199547 (cited by Labcorp Genetics (formerly Invitae), Labcorp).